The following is an entry in ClinVar:

NM_005802.5(TOPORS):c.1987A>G (p.Ser663Gly)

Gene: TOPORS (TOP1 binding arginine/serine rich protein, E3 ubiquitin ligase; minus strand). Cytogenetic location: 9p21.1.
Variant type: single nucleotide variant.
Coding change: c.1987A>G on transcript NM_005802.5 (MANE Select); coding-DNA position 1987, A replaced by G.
Protein change: p.Ser663Gly; replaces serine 663 with glycine.
Molecular consequence: missense variant.
Genome position (GRCh38, 1-based): chr9:32,542,538, T>C on the plus strand (A>G on the coding strand, the complement: TOPORS is on the minus strand). VCF-style: chr9-32542538-T-C. GRCh37 (hg19) VCF-style: chr9-32542536-T-C.
Other names: c.1792A>G, p.Ser598Gly (NM_001195622.2); short protein forms S598G, S663G.
Identifiers: ClinVar variation 3675113 (VCV003675113.2).

ClinVar aggregate classification (germline): Uncertain significance (1 of 4 stars; one submission).

Submission:

Labcorp Genetics (formerly Invitae), Labcorp
Classification: Uncertain significance. Last evaluated: 2024-11-19. Review status: criteria provided, single submitter. Criteria: Invitae Variant Classification Sherloc (09022015). Collection method: clinical testing. Allele origin: germline.
Comment: This sequence change replaces serine, which is neutral and polar, with glycine, which is neutral and non-polar, at codon 663 of the TOPORS protein (p.Ser663Gly). This variant is not present in population databases (gnomAD no frequency). This variant has not been reported in the literature in individuals affected with TOPORS-related conditions. Experimental studies and prediction algorithms are not available or were not evaluated, and the functional significance of this variant is currently unknown. In summary, the available evidence is currently insufficient to determine the role of this variant in disease. Therefore, it has been classified as a Variant of Uncertain Significance.